The following is an entry in ClinVar:

NM_004260.4(RECQL4):c.2107A>G (p.Ile703Val)

Gene: RECQL4 (RecQ like helicase 4; minus strand). Cytogenetic location: 8q24.3.
Variant type: single nucleotide variant.
Coding change: c.2107A>G on transcript NM_004260.4 (MANE Select); coding-DNA position 2107, A replaced by G.
Protein change: p.Ile703Val; replaces isoleucine 703 with valine.
Molecular consequence: missense variant.
Genome position (GRCh38, 1-based): chr8:144,513,664, T>C on the plus strand (A>G on the coding strand, the complement: RECQL4 is on the minus strand). VCF-style: chr8-144513664-T-C. GRCh37 (hg19) VCF-style: chr8-145739048-T-C.
Other names: short protein forms I703V.
Identifiers: ClinVar variation 576878 (VCV000576878.12), dbSNP rs770227800, ClinGen allele CA4948470.
Genomic context (GRCh38, chr8:144,513,664, plus strand): 5'-AGGTTCGGAGGAGCGCAGCGATCCGCTCTGTGTCCTCGCGCCGGTTGCAGTAAATGATAA[T>C]GGAATCGAGGTTTTGAAAACGTTTGCCTTGCAGCAGCGTCAACAGTGCCTGATGAGGAGC-3'
Protein context (NP_004251.4, residues 693-713): QGKRFQNLDS[Ile703Val]IIYCNRREDT

ClinVar aggregate classification (germline): Conflicting classifications of pathogenicity. Review status: criteria provided, conflicting classifications (1 of 4 stars). 5 submissions from 5 submitters: Uncertain significance (3); Likely benign (2). Last evaluated 2025-11-25.

Conditions:
Baller-Gerold syndrome (BGS). Also called: CRANIOSYNOSTOSIS WITH RADIAL DEFECTS. Identifiers: Orphanet 1225, MedGen C0265308, MONDO:0009039, OMIM 218600.
Inborn genetic diseases. Identifiers: MedGen C0950123, MeSH D030342.
RECQL4-related disorder. Also called: RECQL4-related disorders; RECQL4-related condition.

Allele frequency attached by ClinVar (database versions not stated): ExAC 0.00007; gnomAD exomes 0.00007 and 0.00005; TOPMed 0.00007; gnomAD 0.00004.
gnomAD v4.1: 106 of 1,562,198 alleles (0.0068%); highest among the groups gnomAD compares: Non-Finnish European, 0.0088%; no homozygotes.

Submissions (5):

PreventionGenetics, part of Exact Sciences
Classification: Uncertain significance for RECQL4-related condition. Last evaluated: 2025-11-25. Review status: criteria provided, single submitter. Criteria: ACMG Guidelines, 2015. Collection method: clinical testing. Allele origin: germline.
Comment: The RECQL4 c.2107A>G variant is predicted to result in the amino acid substitution p.Ile703Val. To our knowledge, this variant has not been reported in the literature. This variant is reported in 0.011% of alleles in individuals of African descent in gnomAD. At this time, the clinical significance of this variant is uncertain due to the absence of conclusive functional and genetic evidence.

Labcorp Genetics (formerly Invitae), Labcorp
Classification: Uncertain significance for Baller-Gerold syndrome. Last evaluated: 2025-10-15. Review status: criteria provided, single submitter. Criteria: Invitae Variant Classification Sherloc (09022015). Collection method: clinical testing. Allele origin: germline.
Comment: This sequence change replaces isoleucine, which is neutral and non-polar, with valine, which is neutral and non-polar, at codon 703 of the RECQL4 protein (p.Ile703Val). This variant is present in population databases (rs770227800, gnomAD 0.01%). This variant has not been reported in the literature in individuals affected with RECQL4-related conditions. ClinVar contains an entry for this variant (Variation ID: 576878). Invitae Evidence Modeling of protein sequence and biophysical properties (such as structural, functional, and spatial information, amino acid conservation, physicochemical variation, residue mobility, and thermodynamic stability) indicates that this missense variant is not expected to disrupt RECQL4 protein function with a negative predictive value of 80%. In summary, the available evidence is currently insufficient to determine the role of this variant in disease. Therefore, it has been classified as a Variant of Uncertain Significance.

Ambry Genetics
Classification: Likely benign for Inborn genetic diseases. Last evaluated: 2024-11-23. Review status: criteria provided, single submitter. Criteria: Ambry Variant Classification Scheme 2023. Collection method: clinical testing. Allele origin: germline.

Blueprint Genetics
Classification: Likely benign. Last evaluated: 2023-11-06. Review status: criteria provided, single submitter. Criteria: ACMG Guidelines, 2015. Collection method: clinical testing. Allele origin: germline.

Breakthrough Genomics
Classification: Uncertain significance. Review status: criteria provided, single submitter. Criteria: ACMG Guidelines, 2015. Collection method: not provided. Allele origin: germline. Inheritance: Autosomal recessive inheritance. Affected: yes.